The following is an entry in ClinVar:

NM_182961.4(SYNE1):c.7303C>T (p.Arg2435Cys)

Gene: SYNE1 (spectrin repeat containing nuclear envelope protein 1; minus strand). Cytogenetic location: 6q25.2.
Variant type: single nucleotide variant.
Coding change: c.7303C>T on transcript NM_182961.4 (MANE Select); coding-DNA position 7303, C replaced by T.
Protein change: p.Arg2435Cys; replaces arginine 2435 with cysteine.
Molecular consequence: missense variant.
Genome position (GRCh38, 1-based): chr6:152,398,666, G>A on the plus strand (C>T on the coding strand, the complement: SYNE1 is on the minus strand). VCF-style: chr6-152398666-G-A. GRCh37 (hg19) VCF-style: chr6-152719801-G-A.
Other names: p.Arg2442Cys; c.7324C>T, p.Arg2442Cys (NM_033071.5); short protein forms R2442C, R2435C.
Identifiers: ClinVar variation 355912 (VCV000355912.16), dbSNP rs370082646, ClinGen allele CA4057856.

ClinVar aggregate classification (germline): Conflicting classifications of pathogenicity. Review status: criteria provided, conflicting classifications (1 of 4 stars). 6 submissions from 5 submitters: Uncertain significance (5); Benign (1). Last evaluated 2025-05-20.

Conditions:
Emery-Dreifuss muscular dystrophy 4, autosomal dominant (EDMD4). Also called: EMERY-DREIFUSS MUSCULAR DYSTROPHY 4 WITH VARIABLE FEATURES. Identifiers: Orphanet 261, MedGen C2751807, MONDO:0013071, OMIM 612998.
Autosomal recessive ataxia, Beauce type. Also called: Spinocerebellar ataxia, autosomal recessive 8; ATAXIA, RECESSIVE, OF BEAUCE; SYNE1-Related Autosomal Recessive Cerebellar Ataxia; SYNE1 Deficiency. Identifiers: Orphanet 88644, MedGen C1853116, MONDO:0012549, OMIM 610743.

Allele frequency attached by ClinVar (database versions not stated): gnomAD 0.00002; TOPMed 0.00003; ExAC 0.00004; gnomAD exomes 0.00004; ESP Exome Variant Server 0.00008.
gnomAD v4.1: 40 of 1,613,834 alleles (0.0025%); highest among the groups gnomAD compares: Middle Eastern, 0.033%; no homozygotes.

Submissions (6):

Mayo Clinic Laboratories, Mayo Clinic
Classification: Uncertain significance. Last evaluated: 2025-05-20. Review status: criteria provided, single submitter. Criteria: ACMG Guidelines, 2015. Collection method: clinical testing. Allele origin: germline. Observed: 1 variant allele.
Comment: BP4

Labcorp Genetics (formerly Invitae), Labcorp
Classification: Uncertain significance for Emery-Dreifuss muscular dystrophy 4, autosomal dominant; Autosomal recessive ataxia, Beauce type. Last evaluated: 2024-10-03. Review status: criteria provided, single submitter. Criteria: Invitae Variant Classification Sherloc (09022015). Collection method: clinical testing. Allele origin: germline.
Comment: This sequence change replaces arginine, which is basic and polar, with cysteine, which is neutral and slightly polar, at codon 2442 of the SYNE1 protein (p.Arg2442Cys). This variant is present in population databases (rs370082646, gnomAD 0.02%). This variant has not been reported in the literature in individuals affected with SYNE1-related conditions. ClinVar contains an entry for this variant (Variation ID: 355912). An algorithm developed to predict the effect of missense changes on protein structure and function (PolyPhen-2) suggests that this variant is likely to be disruptive. In summary, the available evidence is currently insufficient to determine the role of this variant in disease. Therefore, it has been classified as a Variant of Uncertain Significance.

GeneDx
Classification: Uncertain significance. Last evaluated: 2023-10-23. Review status: criteria provided, single submitter. Criteria: GeneDx Variant Classification Process June 2021. Collection method: clinical testing. Allele origin: germline. Affected: yes.
Comment: In silico analysis supports that this missense variant has a deleterious effect on protein structure/function; Has not been previously published as pathogenic or benign to our knowledge

Blueprint Genetics
Classification: Uncertain significance. Last evaluated: 2023-02-13. Review status: criteria provided, single submitter. Criteria: ACMG Guidelines, 2015. Collection method: clinical testing. Allele origin: germline.

Illumina Laboratory Services, Illumina
Classification: Uncertain significance for Autosomal recessive ataxia, Beauce type. Last evaluated: 2018-01-13. Review status: criteria provided, single submitter. Criteria: ICSL Variant Classification Criteria 13 December 2019. Collection method: clinical testing. Allele origin: germline.

Illumina Laboratory Services, Illumina
Classification: Benign for Emery-Dreifuss muscular dystrophy 4, autosomal dominant. Last evaluated: 2018-01-13. Review status: criteria provided, single submitter. Criteria: ICSL Variant Classification Criteria 13 December 2019. Collection method: clinical testing. Allele origin: germline.
Comment: This variant was observed in the ICSL laboratory as part of a predisposition screen in an ostensibly healthy population. It had not been previously curated by ICSL or reported in the Human Gene Mutation Database (HGMD: prior to June 1st, 2018), and was therefore a candidate for classification through an automated scoring system. Utilizing variant allele frequency, disease prevalence and penetrance estimates, and inheritance mode, an automated score was calculated to assess if this variant is too frequent to cause the disease. Based on the score and internal cut-off values, a variant classified as benign is not then subjected to further curation. The score for this variant resulted in a classification of benign for this disease.